The following is an entry in ClinVar:

NM_153676.4(USH1C):c.684C>T (p.Ser228=)

Gene: USH1C (USH1 protein network component harmonin; minus strand). Cytogenetic location: 11p15.1.
Variant type: single nucleotide variant.
Coding change: c.684C>T on transcript NM_153676.4 (MANE Select); coding-DNA position 684, C replaced by T.
Protein change: p.Ser228=; no amino-acid change (serine 228 retained).
Molecular consequence: synonymous variant. On other transcripts: non-coding transcript variant (1).
Genome position (GRCh38, 1-based): chr11:17,524,526, G>A on the plus strand (C>T on the coding strand, the complement: USH1C is on the minus strand). VCF-style: chr11-17524526-G-A. GRCh37 (hg19) VCF-style: chr11-17546073-G-A.
Other names: c.684C>T, p.Ser228= (NM_001297764.2, NM_005709.4).
Identifiers: ClinVar variation 178567 (VCV000178567.22), dbSNP rs149172005, ClinGen allele CA182573.

ClinVar aggregate classification (germline): Conflicting classifications of pathogenicity. Review status: criteria provided, conflicting classifications (1 of 4 stars). 7 submissions from 7 submitters: Uncertain significance (1); Likely benign (6). Last evaluated 2026-04-01.

Conditions:
USH1C-related disorder. Also called: USH1C-related condition.
Usher syndrome type 1C. Also called: USHER SYNDROME, TYPE I, ACADIAN VARIETY. Identifiers: Orphanet 231169, Orphanet 886, MedGen C1848604, MONDO:0010171, OMIM 276904.

Allele frequency attached by ClinVar (database versions not stated): TOPMed 0.00010; gnomAD 0.00014 and 0.00015; gnomAD exomes 0.00015 and 0.00017; 1000 Genomes Project 30x 0.00016; ExAC 0.00021; ESP Exome Variant Server 0.00039.
gnomAD v4.1: 262 of 1,560,320 alleles (0.017%); highest among the groups gnomAD compares: Middle Eastern, 0.083%; no homozygotes.

Submissions (7):

CeGaT Center for Human Genetics Tuebingen
Classification: Likely benign. Last evaluated: 2026-04-01. Review status: criteria provided, single submitter. Criteria: CeGaT Center For Human Genetics Tuebingen Variant Classification Criteria Version 2. Collection method: clinical testing. Allele origin: germline. Affected: yes. Observed: 1 variant allele.
Comment: USH1C: BP4, BP7

Labcorp Genetics (formerly Invitae), Labcorp
Classification: Likely benign. Last evaluated: 2025-12-19. Review status: criteria provided, single submitter. Criteria: Invitae Variant Classification Sherloc (09022015). Collection method: clinical testing. Allele origin: germline.

PreventionGenetics, part of Exact Sciences
Classification: Likely benign for USH1C-related condition. Last evaluated: 2025-02-27. Review status: criteria provided, single submitter. Criteria: ACMG Guidelines, 2015. Collection method: clinical testing. Allele origin: germline.
Comment: This variant is classified as likely benign based on ACMG/AMP sequence variant interpretation guidelines (Richards et al. 2015 PMID: 25741868, with internal and published modifications).

Blueprint Genetics
Classification: Likely benign. Last evaluated: 2024-09-30. Review status: criteria provided, single submitter. Criteria: ACMG Guidelines, 2015. Collection method: clinical testing. Allele origin: germline.

GeneDx
Classification: Likely benign. Last evaluated: 2018-03-13. Review status: criteria provided, single submitter. Criteria: GeneDx Variant Classification (06012015). Collection method: clinical testing. Allele origin: germline. Affected: yes.
Comment: This variant is considered likely benign or benign based on one or more of the following criteria: it is a conservative change, it occurs at a poorly conserved position in the protein, it is predicted to be benign by multiple in silico algorithms, and/or has population frequency not consistent with disease.

Illumina Laboratory Services, Illumina
Classification: Uncertain significance for Usher syndrome type 1C. Last evaluated: 2018-01-12. Review status: criteria provided, single submitter. Criteria: ICSL Variant Classification Criteria 13 December 2019. Collection method: clinical testing. Allele origin: germline.

Laboratory for Molecular Medicine, Mass General Brigham Personalized Medicine
Classification: Likely benign. Last evaluated: 2012-04-30. Review status: criteria provided, single submitter. Criteria: LMM Criteria. Collection method: clinical testing. Allele origin: germline. Observed: 1 variant allele.
Comment: Ser228Ser in Exon 09 of USH1C: This variant is not expected to have clinical sig nificance because it does not alter an amino acid residue, is not located within the splice consensus sequence, and has been identified in 0.1% (5/6998) of Euro pean American chromosomes from a broad population by the NHLBI Exome Sequencing Project (dbSNP rs149172005).